The following is an entry in ClinVar:

NM_000092.5(COL4A4):c.4079C>T (p.Pro1360Leu)

Gene: COL4A4 (collagen type IV alpha 4 chain; minus strand). Cytogenetic location: 2q36.3.
Variant type: single nucleotide variant.
Coding change: c.4079C>T on transcript NM_000092.5 (MANE Select); coding-DNA position 4079, C replaced by T.
Protein change: p.Pro1360Leu; replaces proline 1360 with leucine.
Molecular consequence: missense variant.
Genome position (GRCh38, 1-based): chr2:227,027,904, G>A on the plus strand (C>T on the coding strand, the complement: COL4A4 is on the minus strand). VCF-style: chr2-227027904-G-A. GRCh37 (hg19) VCF-style: chr2-227892620-G-A.
Other names: short protein forms P1360L.
Identifiers: ClinVar variation 2431548 (VCV002431548.2), dbSNP rs773111563, ClinGen allele CA2144344.

ClinVar aggregate classification (germline): Uncertain significance (1 of 4 stars; one submission).

Conditions:
Autosomal recessive Alport syndrome (ATS2). Also called: COL4A4 Alport Syndrome and Thin Basement Membrane Nephropathy; ALPORT SYNDROME 2, AUTOSOMAL RECESSIVE; Alport syndrome type 2; COL4A3-Related Nephropathy. Identifiers: Orphanet 63, Orphanet 88919, MedGen C4746745, MONDO:0008762, OMIM 203780.

Allele frequency attached by ClinVar (database versions not stated): TOPMed below 0.00001; ExAC 0.00001; gnomAD exomes 0.00001.
gnomAD v4.1: 8 of 1,608,846 alleles (0.0005%); highest among the groups gnomAD compares: Middle Eastern, 0.017%; no homozygotes.

Submission:

Laboratorio de Genetica e Diagnostico Molecular, Hospital Israelita Albert Einstein
Classification: Uncertain significance for Autosomal recessive Alport syndrome. Last evaluated: 2022-06-20. Review status: criteria provided, single submitter. Criteria: ACMG Guidelines, 2015. Collection method: clinical testing. Allele origin: germline. Affected: yes.
Comment: ACMG classification criteria: PM2 moderated